The following is an entry in ClinVar:

NM_000334.4(SCN4A):c.2335C>G (p.Leu779Val)

Genes: GH-LCR (growth hormone locus control region; plus strand), SCN4A (sodium voltage-gated channel alpha subunit 4; minus strand). Cytogenetic location: 17q23.3.
Variant type: single nucleotide variant.
Coding change: c.2335C>G on transcript NM_000334.4 (MANE Select); coding-DNA position 2335, C replaced by G.
Protein change: p.Leu779Val; replaces leucine 779 with valine.
Molecular consequence: missense variant.
Genome position (GRCh38, 1-based): chr17:63,957,203, G>C on the plus strand (C>G on the coding strand, the complement: SCN4A is on the minus strand). VCF-style: chr17-63957203-G-C. GRCh37 (hg19) VCF-style: chr17-62034563-G-C.
Other names: short protein forms L779V.
Identifiers: ClinVar variation 2914175 (VCV002914175.3), dbSNP rs1186398938, ClinGen allele CA400629157.
Genomic context (GRCh38, chr17:63,957,203, plus strand): 5'-CCCAGCCAGCCTCACTCACCACAAGATTGCCGATGACCATGACCATGAGGAAGACGGTGA[G>C]GCACATGGCTTGGCCGGCCACCTCCATGCAGTCCCACATGGTCTCGATCCACTCCCCGCA-3'
Protein context (NP_000325.4, residues 769-789): CMEVAGQAMC[Leu779Val]TVFLMVMVIG

ClinVar aggregate classification (germline): Uncertain significance (1 of 4 stars; one submission).

Conditions:
Hyperkalemic periodic paralysis. Also called: Familial hyperkalemic periodic paralysis; Gamstorp disease. Identifiers: Orphanet 682, MedGen C0238357, MONDO:0008224, OMIM 170500, HP:0007215.

Submission:

Labcorp Genetics (formerly Invitae), Labcorp
Classification: Uncertain significance for Hyperkalemic periodic paralysis. Last evaluated: 2023-09-19. Review status: criteria provided, single submitter. Criteria: Invitae Variant Classification Sherloc (09022015). Collection method: clinical testing. Allele origin: germline.
Comment: This variant has not been reported in the literature in individuals affected with SCN4A-related conditions. In summary, the available evidence is currently insufficient to determine the role of this variant in disease. Therefore, it has been classified as a Variant of Uncertain Significance. Advanced modeling of protein sequence and biophysical properties (such as structural, functional, and spatial information, amino acid conservation, physicochemical variation, residue mobility, and thermodynamic stability) performed at Invitae indicates that this missense variant is not expected to disrupt SCN4A protein function. This variant is not present in population databases (gnomAD no frequency). This sequence change replaces leucine, which is neutral and non-polar, with valine, which is neutral and non-polar, at codon 779 of the SCN4A protein (p.Leu779Val).